The following is an entry in ClinVar:

NC_000009.11:g.(?_336562)_(464219_?)dup

Gene: DOCK8 (dedicator of cytokinesis 8; plus strand). Cytogenetic location: 9p24.3.
Variant type: Duplication.
Identifiers: ClinVar variation 1413020 (VCV001413020.8).

ClinVar aggregate classification (germline): Uncertain significance (1 of 4 stars; one submission).

Conditions:
Combined immunodeficiency due to DOCK8 deficiency (HIES2). Also called: HYPER-IgE RECURRENT INFECTION SYNDROME 2, AUTOSOMAL RECESSIVE; HYPER-IgE SYNDROME 2, AUTOSOMAL RECESSIVE, WITH RECURRENT INFECTIONS; HIES autosomal recessive; DOCK8 Deficiency; Hyper-IgE recurrent infection syndrome, autosomal recessive. Identifiers: Orphanet 217390, MedGen C4722305, MONDO:0009478, OMIM 243700.

Submission:

Labcorp Genetics (formerly Invitae), Labcorp
Classification: Uncertain significance for Combined immunodeficiency due to DOCK8 deficiency. Last evaluated: 2022-05-04. Review status: criteria provided, single submitter. Criteria: Invitae Variant Classification Sherloc (09022015). Collection method: clinical testing. Allele origin: germline.
Comment: This variant results in a copy number gain of the genomic region encompassing exon(s) 12-48 of the DOCK8 gene. This region includes the termination codon of the gene. This copy number gain extends beyond the assayed region for this gene and therefore may encompass additional genes. As the precise location of this event is unknown, it may be in tandem or it may be located elsewhere in the genome. This variant has not been reported in the literature in individuals affected with DOCK8-related conditions. In summary, the available evidence is currently insufficient to determine the role of this variant in disease. Therefore, it has been classified as a Variant of Uncertain Significance.